The following is an entry in ClinVar:

NM_001130438.3(SPTAN1):c.2291C>G (p.Ala764Gly)

Gene: SPTAN1 (spectrin alpha, non-erythrocytic 1; plus strand). Cytogenetic location: 9q34.11.
Variant type: single nucleotide variant.
Coding change: c.2291C>G on transcript NM_001130438.3 (MANE Select); coding-DNA position 2291, C replaced by G.
Protein change: p.Ala764Gly; replaces alanine 764 with glycine.
Molecular consequence: missense variant.
Genome position (GRCh38, 1-based): chr9:128,584,379, C>G. VCF-style: chr9-128584379-C-G. GRCh37 (hg19) VCF-style: chr9-131346658-C-G.
Other names: c.2291C>G, p.Ala764Gly (NM_001195532.2, NM_001363759.2, NM_001363765.2 and 5 more transcripts); c.2327C>G, p.Ala776Gly (NM_001375312.2, NM_001375318.1); short protein forms A764G, A776G.
Identifiers: ClinVar variation 1810458 (VCV001810458.2), dbSNP rs2541199461, ClinGen allele CA375057306.

ClinVar aggregate classification (germline): Uncertain significance (1 of 4 stars; one submission).

Submission:

GeneDx
Classification: Uncertain significance. Last evaluated: 2025-11-15. Review status: criteria provided, single submitter. Criteria: GeneDx Variant Classification Process June 2021. Collection method: clinical testing. Allele origin: germline.
Comment: Not observed at significant frequency in large population cohorts (gnomAD); In silico analysis suggests that this missense variant does not alter protein structure/function; Has not been previously published as pathogenic or benign to our knowledge